The following is an entry in ClinVar:

ClinVar aggregate classification (germline): Uncertain significance. Review status: criteria provided, multiple submitters, no conflicts (2 of 4 stars). 2 submissions from 2 submitters: Uncertain significance (2). Last evaluated 2025-06-07.

Conditions:
Hereditary cancer-predisposing syndrome. Also called: Hereditary Cancer Syndrome; Neoplastic Syndromes, Hereditary; Hereditary neoplastic syndrome; Tumor predisposition. Identifiers: Orphanet 140162, MedGen C0027672, MeSH D009386, MONDO:0015356.

gnomAD v4.1: 1 of 1,611,754 alleles (0.000062%); no homozygotes.

Submissions (2):

Ambry Genetics
Classification: Uncertain significance for Hereditary cancer-predisposing syndrome. Last evaluated: 2025-06-07. Review status: criteria provided, single submitter. Criteria: Ambry Variant Classification Scheme 2023. Collection method: clinical testing. Allele origin: germline.
Comment: The p.A1699V variant (also known as c.5096C>T), located in coding exon 38 of the POLE gene, results from a C to T substitution at nucleotide position 5096. The alanine at codon 1699 is replaced by valine, an amino acid with similar properties. This amino acid position is conserved. In addition, the in silico prediction for this alteration is inconclusive. Based on the available evidence, the clinical significance of this variant remains unclear.

Labcorp Genetics (formerly Invitae), Labcorp
Classification: Uncertain significance. Last evaluated: 2024-05-07. Review status: criteria provided, single submitter. Criteria: Invitae Variant Classification Sherloc (09022015). Collection method: clinical testing. Allele origin: germline.
Comment: This sequence change replaces alanine, which is neutral and non-polar, with valine, which is neutral and non-polar, at codon 1699 of the POLE protein (p.Ala1699Val). This variant is not present in population databases (gnomAD no frequency). This variant has not been reported in the literature in individuals affected with POLE-related conditions. Advanced modeling of protein sequence and biophysical properties (such as structural, functional, and spatial information, amino acid conservation, physicochemical variation, residue mobility, and thermodynamic stability) performed at Invitae indicates that this missense variant is not expected to disrupt POLE protein function with a negative predictive value of 80%. In summary, the available evidence is currently insufficient to determine the role of this variant in disease. Therefore, it has been classified as a Variant of Uncertain Significance.

NM_006231.4(POLE):c.5096C>T (p.Ala1699Val)

Gene: POLE (DNA polymerase epsilon, catalytic subunit; minus strand). Cytogenetic location: 12q24.33.
Variant type: single nucleotide variant.
Coding change: c.5096C>T on transcript NM_006231.4 (MANE Select); coding-DNA position 5096, C replaced by T.
Protein change: p.Ala1699Val; replaces alanine 1699 with valine.
Molecular consequence: missense variant.
Genome position (GRCh38, 1-based): chr12:132,642,254, G>A on the plus strand (C>T on the coding strand, the complement: POLE is on the minus strand). VCF-style: chr12-132642254-G-A. GRCh37 (hg19) VCF-style: chr12-133218840-G-A.
Other names: c.5096C>T (NM_006231.2); short protein forms A1699V.
Identifiers: ClinVar variation 3652477 (VCV003652477.3).